The following is an entry in ClinVar:

NM_000282.4(PCCA):c.1426C>T (p.Arg476Ter)

Gene: PCCA (propionyl-CoA carboxylase subunit alpha; plus strand). Cytogenetic location: 13q32.3.
Variant type: single nucleotide variant.
Coding change: c.1426C>T on transcript NM_000282.4 (MANE Select); coding-DNA position 1426, C replaced by T.
Protein change: p.Arg476Ter; replaces arginine 476 with a stop codon.
Molecular consequence: nonsense. On other transcripts: non-coding transcript variant (5).
Genome position (GRCh38, 1-based): chr13:100,309,905, C>T. VCF-style: chr13-100309905-C-T. GRCh37 (hg19) VCF-style: chr13-100962159-C-T.
Other names: c.1348C>T, p.Arg450Ter (NM_001127692.3, NM_001352607.2); c.1426C>T, p.Arg476Ter (NM_001178004.2, NM_001352605.2, NM_001352609.2); c.1282C>T, p.Arg428Ter (NM_001352606.2); c.1204C>T, p.Arg402Ter (NM_001352608.2); c.481C>T, p.Arg161Ter (NM_001352610.2, NM_001352611.2); c.337C>T, p.Arg113Ter (NM_001352612.2); short protein forms R476*, R161*, R450*, R113*, R402*, R428*.
Identifiers: ClinVar variation 218264 (VCV000218264.19), dbSNP rs768703749, ClinGen allele CA7033643.

ClinVar aggregate classification (germline): Pathogenic/Likely pathogenic. Review status: criteria provided, multiple submitters, no conflicts (2 of 4 stars). 6 submissions from 6 submitters: Pathogenic (3); Likely pathogenic (1). 2 of the submissions do not count toward it. Last evaluated 2025-10-13.

Conditions:
Propionic acidemia (PROP). Also called: GLYCINEMIA, KETOTIC; HYPERGLYCINEMIA WITH KETOACIDOSIS AND LEUKOPENIA; KETOTIC HYPERGLYCINEMIA. Identifiers: Orphanet 35, MedGen C0268579, MONDO:0011628, OMIM 606054, HP:0003571.

Allele frequency attached by ClinVar (database versions not stated): TOPMed below 0.00001; gnomAD 0.00001.
gnomAD v4.1: 5 of 1,608,224 alleles (0.00031%); highest among the groups gnomAD compares: Non-Finnish European, 0.00034%; no homozygotes.

Submissions (6):

Labcorp Genetics (formerly Invitae), Labcorp
Classification: Pathogenic for Propionic acidemia. Last evaluated: 2025-10-13. Review status: criteria provided, single submitter. Criteria: Invitae Variant Classification Sherloc (09022015). Collection method: clinical testing. Allele origin: germline.
Comment: This sequence change creates a premature translational stop signal (p.Arg476*) in the PCCA gene. It is expected to result in an absent or disrupted protein product. Loss-of-function variants in PCCA are known to be pathogenic (PMID: 15464417). This variant is present in population databases (rs768703749, gnomAD 0.004%). This premature translational stop signal has been observed in individual(s) with propionic acidemia (PMID: 27227689, 32252659). ClinVar contains an entry for this variant (Variation ID: 218264). For these reasons, this variant has been classified as Pathogenic.

Revvity Omics, Revvity
Classification: Pathogenic for Propionic acidemia. Last evaluated: 2022-05-19. Review status: criteria provided, single submitter. Criteria: ACMG Guidelines, 2015. Collection method: clinical testing. Allele origin: germline.

Institute of Medical Genetics and Genomics, Sir Ganga Ram Hospital
Classification: Pathogenic for Propionic Acidemia. Last evaluated: 2012-01-01. Review status: criteria provided, single submitter. Criteria: Gupta et al. (Genet Test Mol Biomarkers 2016). Collection method: research. Allele origin: germline. Affected: yes. Observed: 1 variant allele. Study: ORGANIC ACIDURIAS.
Comment: Nonsense mutation

Kasturba Medical College, Manipal, Kasturba Medical College, Manipal, Manipal Academy of Higher Education, Manipal, India
Classification: Likely pathogenic for Propionic acidemia. Review status: criteria provided, single submitter. Criteria: ACMG Guidelines, 2015. Collection method: clinical testing. Allele origin: inherited. Affected: yes.

Natera, Inc.
Classification: Pathogenic for Propionic acidemia. Last evaluated: 2021-01-29. Review status: no assertion criteria provided. Collection method: clinical testing. Allele origin: germline. Not counted in ClinVar's aggregate classification.

Counsyl
Classification: Likely pathogenic for Propionic acidemia. Last evaluated: 2018-05-29. Review status: no assertion criteria provided. Collection method: clinical testing. Allele origin: unknown. Not counted in ClinVar's aggregate classification.

Literature cited by the submitters: PubMed 15464417 (cited by Labcorp Genetics (formerly Invitae), Labcorp); PubMed 27227689 (cited by Labcorp Genetics (formerly Invitae), Labcorp and Counsyl); PubMed 32252659 (cited by Labcorp Genetics (formerly Invitae), Labcorp).